The following is an entry in ClinVar:

NM_182760.4(SUMF1):c.1076C>T (p.Ser359Leu)

Gene: SUMF1 (sulfatase modifying factor 1; minus strand). Cytogenetic location: 3p26.1.
Variant type: single nucleotide variant.
Coding change: c.1076C>T on transcript NM_182760.4 (MANE Select); coding-DNA position 1076, C replaced by T.
Protein change: p.Ser359Leu; replaces serine 359 with leucine.
Molecular consequence: missense variant.
Genome position (GRCh38, 1-based): chr3:4,362,193, G>A on the plus strand (C>T on the coding strand, the complement: SUMF1 is on the minus strand). VCF-style: chr3-4362193-G-A. GRCh37 (hg19) VCF-style: chr3-4403877-G-A.
Other names: c.1001C>T, p.Ser334Leu (NM_001164674.2); c.1016C>T, p.Ser339Leu (NM_001164675.2); short protein forms S334L, S359L, S339L.
Identifiers: ClinVar variation 1418935 (VCV001418935.3), dbSNP rs137852844, ClinGen allele CA2230324.

ClinVar aggregate classification (germline): Uncertain significance (1 of 4 stars; one submission).

Conditions:
Multiple sulfatase deficiency (MSD). Also called: Mucosulfatidosis; Multiple Sulfatase Deficiency Disease; Sulfatidosis, Juvenile, Austin Type. Identifiers: Orphanet 585, MedGen C0268263, MONDO:0010088, OMIM 272200.

Allele frequency attached by ClinVar (database versions not stated): ExAC 0.00002; TOPMed 0.00002; gnomAD 0.00003 and 0.00004; gnomAD exomes 0.00003.
gnomAD v4.1: 54 of 1,614,076 alleles (0.0033%); highest among the groups gnomAD compares: Non-Finnish European, 0.0042%; no homozygotes.

Submission:

Labcorp Genetics (formerly Invitae), Labcorp
Classification: Uncertain significance for Multiple sulfatase deficiency. Last evaluated: 2022-07-27. Review status: criteria provided, single submitter. Criteria: Invitae Variant Classification Sherloc (09022015). Collection method: clinical testing. Allele origin: germline.
Comment: This sequence change replaces serine, which is neutral and polar, with leucine, which is neutral and non-polar, at codon 359 of the SUMF1 protein (p.Ser359Leu). This variant is present in population databases (rs137852844, gnomAD 0.007%). This variant has not been reported in the literature in individuals affected with SUMF1-related conditions. ClinVar contains an entry for this variant (Variation ID: 1418935). Algorithms developed to predict the effect of missense changes on protein structure and function are either unavailable or do not agree on the potential impact of this missense change (SIFT: "Deleterious"; PolyPhen-2: "Possibly Damaging"; Align-GVGD: "Class C0"). In summary, the available evidence is currently insufficient to determine the role of this variant in disease. Therefore, it has been classified as a Variant of Uncertain Significance.